The following is an entry in ClinVar:

NM_033026.6(PCLO):c.3518T>C (p.Leu1173Pro)

Gene: PCLO (piccolo presynaptic cytomatrix protein; minus strand). Cytogenetic location: 7q21.11.
Variant type: single nucleotide variant.
Coding change: c.3518T>C on transcript NM_033026.6 (MANE Select); coding-DNA position 3518, T replaced by C.
Protein change: p.Leu1173Pro; replaces leucine 1173 with proline.
Molecular consequence: missense variant.
Genome position (GRCh38, 1-based): chr7:82,966,270, A>G on the plus strand (T>C on the coding strand, the complement: PCLO is on the minus strand). VCF-style: chr7-82966270-A-G. GRCh37 (hg19) VCF-style: chr7-82595586-A-G.
Other names: c.3518T>C, p.Leu1173Pro (NM_014510.3); c.3518T>C (NM_033026.5); short protein forms L1173P.
Identifiers: ClinVar variation 1466427 (VCV001466427.6), dbSNP rs761053170, ClinGen allele CA367933260.
Genomic context (GRCh38, chr7:82,966,270, plus strand): 5'-TGATCTGTGGTTACCATAGGAGGAATTTTTTCCATTGATAGTGTTTCCTTTACTTTTTCC[A>G]GAATGACTTTTTCAGCTTCCGTTTTTACTTCTTGTTCTTGCTTTTTCACTAATTTTACTT-3'
Protein context (NP_149015.2, residues 1163-1183): EVKTEAEKVI[Leu1173Pro]EKVKETLSME

ClinVar aggregate classification (germline): Conflicting classifications of pathogenicity. Review status: criteria provided, conflicting classifications (1 of 4 stars). 2 submissions from 2 submitters: Uncertain significance (1); Likely benign (1). Last evaluated 2022-08-17.

Conditions:
Inborn genetic diseases. Identifiers: MedGen C0950123, MeSH D030342.

gnomAD v4.1: 3 of 1,612,210 alleles (0.00019%); highest among the groups gnomAD compares: Non-Finnish European, 0.00025%; no homozygotes.

Submissions (2):

Ambry Genetics
Classification: Likely benign for Inborn genetic diseases. Last evaluated: 2022-08-17. Review status: criteria provided, single submitter. Criteria: Ambry Variant Classification Scheme 2023. Collection method: clinical testing. Allele origin: germline.

Labcorp Genetics (formerly Invitae), Labcorp
Classification: Uncertain significance. Last evaluated: 2021-08-28. Review status: criteria provided, single submitter. Criteria: Invitae Variant Classification Sherloc (09022015). Collection method: clinical testing. Allele origin: germline.
Comment: This sequence change replaces leucine with proline at codon 1173 of the PCLO protein (p.Leu1173Pro). The leucine residue is weakly conserved and there is a moderate physicochemical difference between leucine and proline. This variant is not present in population databases (ExAC no frequency). This variant has not been reported in the literature in individuals affected with PCLO-related conditions. Algorithms developed to predict the effect of missense changes on protein structure and function output the following: SIFT: "Tolerated"; PolyPhen-2: "Not Available"; Align-GVGD: "Class C0". The proline amino acid residue is found in multiple mammalian species, which suggests that this missense change does not adversely affect protein function. In summary, the available evidence is currently insufficient to determine the role of this variant in disease. Therefore, it has been classified as a Variant of Uncertain Significance.